The following is an entry in ClinVar:

NM_025114.4(CEP290):c.340C>G (p.Arg114Gly)

Gene: CEP290 (centrosomal protein 290; minus strand). Cytogenetic location: 12q21.32.
Variant type: single nucleotide variant.
Coding change: c.340C>G on transcript NM_025114.4 (MANE Select); coding-DNA position 340, C replaced by G.
Protein change: p.Arg114Gly; replaces arginine 114 with glycine.
Molecular consequence: missense variant.
Genome position (GRCh38, 1-based): chr12:88,136,744, G>C on the plus strand (C>G on the coding strand, the complement: CEP290 is on the minus strand). VCF-style: chr12-88136744-G-C. GRCh37 (hg19) VCF-style: chr12-88530521-G-C.
Other names: short protein forms R114G.
Identifiers: ClinVar variation 4991640 (VCV004991640.1).
Genomic context (GRCh38, chr12:88,136,744, plus strand): 5'-TGTCCTCCAATTCTCTATCTTTTTGTTCTAATTGTTTTTCAAGTTGGCAAATTTCATTAC[G>C]TAAAAACCGAGTATCTCGTCCACCTGCAGACTGCTGAGCCATCTTAAAGTAATAAACCCA-3'
Protein context (NP_079390.3, residues 104-124): SAGGRDTRFL[Arg114Gly]NEICQLEKQL

ClinVar aggregate classification (germline): Uncertain significance (1 of 4 stars; one submission).

Conditions:
CEP290-related disorder. Also called: CEP290-related condition; CEP290-related disorders. Identifiers: MedGen CN239314.

Submission:

PreventionGenetics, part of Exact Sciences
Classification: Uncertain significance for CEP290-related condition. Last evaluated: 2026-02-18. Review status: criteria provided, single submitter. Criteria: ACMG Guidelines, 2015. Collection method: clinical testing. Allele origin: germline.
Comment: The CEP290 c.340C>G variant is predicted to result in the amino acid substitution p.Arg114Gly. To our knowledge, this variant has not been reported in the literature or in a large population database (gnomAD), indicating this variant is rare. At this time, the clinical significance of this variant is uncertain due to the absence of conclusive functional and genetic evidence.